The following is an entry in ClinVar:

ClinVar aggregate classification (germline): Uncertain significance. Review status: criteria provided, multiple submitters, no conflicts (2 of 4 stars). 2 submissions from 2 submitters: Uncertain significance (2). Last evaluated 2026-03-03.

gnomAD v4.1: 7 of 1,614,074 alleles (0.00043%); highest among the groups gnomAD compares: Middle Eastern, 0.082%; no homozygotes.

Submissions (2):

Women's Health and Genetics/Laboratory Corporation of America, LabCorp
Classification: Uncertain significance. Last evaluated: 2026-03-03. Review status: criteria provided, single submitter. Criteria: LabCorp Variant Classification Summary - May 2015. Collection method: clinical testing. Allele origin: germline.

Labcorp Genetics (formerly Invitae), Labcorp
Classification: Uncertain significance. Last evaluated: 2024-06-03. Review status: criteria provided, single submitter. Criteria: Invitae Variant Classification Sherloc (09022015). Collection method: clinical testing. Allele origin: germline.
Comment: This sequence change falls in intron 66 of the COL7A1 gene. It does not directly change the encoded amino acid sequence of the COL7A1 protein. It affects a nucleotide within the consensus splice site. This variant is present in population databases (rs2532851, gnomAD 0.0009%). This variant has not been reported in the literature in individuals affected with COL7A1-related conditions. Variants that disrupt the consensus splice site are a relatively common cause of aberrant splicing (PMID: 17576681, 9536098). Algorithms developed to predict the effect of sequence changes on RNA splicing suggest that this variant may disrupt the consensus splice site. In summary, the available evidence is currently insufficient to determine the role of this variant in disease. Therefore, it has been classified as a Variant of Uncertain Significance.

Literature cited by the submitters: PubMed 17576681 (cited by Labcorp Genetics (formerly Invitae), Labcorp); PubMed 9536098 (cited by Labcorp Genetics (formerly Invitae), Labcorp).

NM_000094.4(COL7A1):c.5604+5G>A

Gene: COL7A1 (collagen type VII alpha 1 chain; minus strand). Cytogenetic location: 3p21.31.
Variant type: single nucleotide variant.
Coding change: c.5604+5G>A on transcript NM_000094.4 (MANE Select); 5 bases into the intron after coding-DNA position 5604, G replaced by A.
Molecular consequence: intron variant.
Genome position (GRCh38, 1-based): chr3:48,576,879, C>T on the plus strand (G>A on the coding strand, the complement: COL7A1 is on the minus strand). VCF-style: chr3-48576879-C-T. GRCh37 (hg19) VCF-style: chr3-48614312-C-T.
Identifiers: ClinVar variation 3704952 (VCV003704952.3).